The following is an entry in ClinVar:

ClinVar aggregate classification (germline): Uncertain significance. Review status: criteria provided, multiple submitters, no conflicts (2 of 4 stars). 2 submissions from 2 submitters: Uncertain significance (2). Last evaluated 2024-11-19.

Conditions:
Hereditary cancer-predisposing syndrome. Also called: Neoplastic Syndromes, Hereditary; Hereditary Cancer Syndrome; Tumor predisposition; Hereditary neoplastic syndrome. Identifiers: Orphanet 140162, MedGen C0027672, MeSH D009386, MONDO:0015356.

Submissions (2):

Ambry Genetics
Classification: Uncertain significance for Hereditary cancer-predisposing syndrome. Last evaluated: 2024-11-19. Review status: criteria provided, single submitter. Criteria: Ambry Variant Classification Scheme 2023. Collection method: clinical testing. Allele origin: germline.
Comment: The p.E89Q variant (also known as c.265G>C), located in coding exon 2 of the CTNNA1 gene, results from a G to C substitution at nucleotide position 265. The glutamic acid at codon 89 is replaced by glutamine, an amino acid with highly similar properties. This amino acid position is conserved. In addition, the in silico prediction for this alteration is inconclusive. The evidence for this gene-disease relationship is limited; therefore, the clinical significance of this alteration is unclear.

Labcorp Genetics (formerly Invitae), Labcorp
Classification: Uncertain significance. Last evaluated: 2024-05-21. Review status: criteria provided, single submitter. Criteria: Invitae Variant Classification Sherloc (09022015). Collection method: clinical testing. Allele origin: germline.
Comment: This sequence change replaces glutamic acid, which is acidic and polar, with glutamine, which is neutral and polar, at codon 89 of the CTNNA1 protein (p.Glu89Gln). This variant is not present in population databases (gnomAD no frequency). This variant has not been reported in the literature in individuals affected with CTNNA1-related conditions. ClinVar contains an entry for this variant (Variation ID: 2446932). Advanced modeling of protein sequence and biophysical properties (such as structural, functional, and spatial information, amino acid conservation, physicochemical variation, residue mobility, and thermodynamic stability) performed at Invitae indicates that this missense variant is not expected to disrupt CTNNA1 protein function with a negative predictive value of 80%. In summary, the available evidence is currently insufficient to determine the role of this variant in disease. Therefore, it has been classified as a Variant of Uncertain Significance.

NM_001903.5(CTNNA1):c.265G>C (p.Glu89Gln)

Gene: CTNNA1 (catenin alpha 1; plus strand). Cytogenetic location: 5q31.2.
Variant type: single nucleotide variant.
Coding change: c.265G>C on transcript NM_001903.5 (MANE Select); coding-DNA position 265, G replaced by C.
Protein change: p.Glu89Gln; replaces glutamic acid 89 with glutamine.
Molecular consequence: missense variant. On other transcripts: intron variant (2).
Genome position (GRCh38, 1-based): chr5:138,783,336, G>C. VCF-style: chr5-138783336-G-C. GRCh37 (hg19) VCF-style: chr5-138119025-G-C.
Other names: c.265G>C, p.Glu89Gln (NM_001290307.3, NM_001323982.2, NM_001323983.1 and 3 more transcripts); c.-6+64G>C (NM_001290310.3); c.-9+1307G>C (NM_001290309.3); short protein forms E89Q.
Identifiers: ClinVar variation 2446932 (VCV002446932.5), dbSNP rs780367865, ClinGen allele CA361477647.